The following is an entry in ClinVar:

ClinVar aggregate classification (germline): Likely benign (1 of 4 stars; one submission).

gnomAD v4.1: 2,202 of 1,600,284 alleles (0.14%); highest among the groups gnomAD compares: Non-Finnish European, 0.16%; 7 homozygotes.

Submission:

CeGaT Center for Human Genetics Tuebingen
Classification: Likely benign. Last evaluated: 2026-03-01. Review status: criteria provided, single submitter. Criteria: CeGaT Center For Human Genetics Tuebingen Variant Classification Criteria Version 2. Collection method: clinical testing. Allele origin: germline. Affected: yes. Observed: 1 variant allele.
Comment: ADAD2: BP4, BP7

NM_001145400.2(ADAD2):c.1155G>A (p.Ser385=)

Genes: ADAD2 (adenosine deaminase domain containing 2; plus strand), ADAD2-AS1 (ADAD2 antisense RNA 1; minus strand). Cytogenetic location: 16q24.1.
Variant type: single nucleotide variant.
Coding change: c.1155G>A on transcript NM_001145400.2 (MANE Select); coding-DNA position 1155, G replaced by A.
Protein change: p.Ser385=; no amino-acid change (serine 385 retained).
Molecular consequence: synonymous variant.
Genome position (GRCh38, 1-based): chr16:84,195,917, G>A. VCF-style: chr16-84195917-G-A. GRCh37 (hg19) VCF-style: chr16-84229523-G-A.
Other names: c.1401G>A, p.Ser467= (NM_139174.4).
Identifiers: ClinVar variation 4820972 (VCV004820972.4).